The following is an entry in ClinVar:

ClinVar aggregate classification (germline): Likely benign (1 of 4 stars; one submission).

Conditions:
RAX2-related disorder. Also called: RAX2-related disorders; RAX2-related condition.

Submission:

PreventionGenetics, part of Exact Sciences
Classification: Likely benign for RAX2-related condition. Last evaluated: 2026-09-15. Review status: criteria provided, single submitter. Criteria: ACMG Guidelines, 2015. Collection method: clinical testing. Allele origin: germline.
Comment: This variant is classified as likely benign based on ACMG/AMP sequence variant interpretation guidelines (Richards et al. 2015 PMID: 25741868, with internal and published modifications).

NM_001319074.4(RAX2):c.-88C>G

Gene: RAX2 (retina and anterior neural fold homeobox 2; minus strand). Cytogenetic location: 19p13.3.
Variant type: single nucleotide variant.
Coding change: c.-88C>G on transcript NM_001319074.4 (MANE Select); 88 bases upstream of the start codon, C replaced by G.
Molecular consequence: 5 prime UTR variant. On other transcripts: intron variant (1).
Genome position (GRCh38, 1-based): chr19:3,771,830, G>C on the plus strand (C>G on the coding strand, the complement: RAX2 is on the minus strand). VCF-style: chr19-3771830-G-C. GRCh37 (hg19) VCF-style: chr19-3771828-G-C.
Other names: c.-9-79C>G (NM_032753.4).
Identifiers: ClinVar variation 4981134 (VCV004981134.1).